The following is an entry in ClinVar:

NM_015346.4(ZFYVE26):c.156del (p.Asp52fs)

Gene: ZFYVE26 (zinc finger FYVE-type containing 26; minus strand). Cytogenetic location: 14q24.1.
Variant type: Deletion.
Coding change: c.156del on transcript NM_015346.4 (MANE Select); coding-DNA position 156, one base deleted (C; older notation c.156delC).
Protein change: p.Asp52fs; shifts the reading frame from aspartic acid 52.
Molecular consequence: frameshift variant.
Genome position (GRCh38, 1-based): chr14:67,815,808, G deleted on the plus strand (C on the coding strand, the reverse complement: ZFYVE26 is on the minus strand). VCF-style (leftmost placement, unchanged base first): chr14-67815807-TG-T. GRCh37 (hg19) VCF-style: chr14-68282524-TG-T.
Other names: short protein forms D52fs.
Identifiers: ClinVar variation 2845109 (VCV002845109.3), dbSNP rs2502897683, ClinGen allele CA2739279295.
Genomic context (GRCh38, chr14:67,815,807, plus strand): 5'-TGGTAGGAAAAGAGATCCCTTACCTCAGCAGATTTGGACACACCACCAATGCCTGAAGTA[TG>T]TCTTCTACCCTCTTTGGGATATCCCCTTGTCCCTCCTGTAGCTGAGGTACACATGCCTGT-3'

ClinVar aggregate classification (germline): Pathogenic (1 of 4 stars; one submission).

Conditions:
Spastic paraplegia. Identifiers: MedGen C0037772, HP:0001258.

Submission:

Labcorp Genetics (formerly Invitae), Labcorp
Classification: Pathogenic for Spastic paraplegia. Last evaluated: 2023-03-12. Review status: criteria provided, single submitter. Criteria: Invitae Variant Classification Sherloc (09022015). Collection method: clinical testing. Allele origin: germline.
Comment: This variant is not present in population databases (gnomAD no frequency). For these reasons, this variant has been classified as Pathogenic. This variant has not been reported in the literature in individuals affected with ZFYVE26-related conditions. This sequence change creates a premature translational stop signal (p.Asp52Glufs*13) in the ZFYVE26 gene. It is expected to result in an absent or disrupted protein product. Loss-of-function variants in ZFYVE26 are known to be pathogenic (PMID: 18394578, 19805727).

Literature cited by the submitters: PubMed 18394578; PubMed 19805727.